The following is an entry in ClinVar:

NM_000016.6(ACADM):c.1211C>T (p.Ser404Leu)

Gene: ACADM (acyl-CoA dehydrogenase medium chain; plus strand). Cytogenetic location: 1p31.1.
Variant type: single nucleotide variant.
Coding change: c.1211C>T on transcript NM_000016.6 (MANE Select); coding-DNA position 1211, C replaced by T.
Protein change: p.Ser404Leu; replaces serine 404 with leucine.
Molecular consequence: missense variant.
Genome position (GRCh38, 1-based): chr1:75,762,708, C>T. VCF-style: chr1-75762708-C-T. GRCh37 (hg19) VCF-style: chr1-76228393-C-T.
Other names: c.1223C>T, p.Ser408Leu (NM_001127328.3); c.1103C>T, p.Ser368Leu (NM_001286042.2); c.1310C>T, p.Ser437Leu (NM_001286043.2); c.644C>T, p.Ser215Leu (NM_001286044.2); short protein forms S215L, S368L, S404L, S408L, S437L.
Identifiers: ClinVar variation 2415859 (VCV002415859.4), dbSNP rs2525706632, ClinGen allele CA340818421.

ClinVar aggregate classification (germline): Uncertain significance (1 of 4 stars; one submission).

Conditions:
Medium-chain acyl-coenzyme A dehydrogenase deficiency (ACADMD). Also called: MCADH DEFICIENCY; Medium chain acyl-CoA dehydrogenase deficiency; MCADD; MCAD Deficiency; ACADM DEFICIENCY; CARNITINE DEFICIENCY SECONDARY TO MEDIUM-CHAIN ACYL-CoA DEHYDROGENASE DEFICIENCY. Identifiers: Orphanet 42, MedGen C0220710, MONDO:0008721, OMIM 201450.

Submission:

Labcorp Genetics (formerly Invitae), Labcorp
Classification: Uncertain significance for Medium-chain acyl-coenzyme A dehydrogenase deficiency. Last evaluated: 2025-01-24. Review status: criteria provided, single submitter. Criteria: Invitae Variant Classification Sherloc (09022015). Collection method: clinical testing. Allele origin: germline.
Comment: This sequence change replaces serine, which is neutral and polar, with leucine, which is neutral and non-polar, at codon 404 of the ACADM protein (p.Ser404Leu). This variant is not present in population databases (gnomAD no frequency). This variant has not been reported in the literature in individuals affected with ACADM-related conditions. ClinVar contains an entry for this variant (Variation ID: 2415859). Invitae Evidence Modeling of protein sequence and biophysical properties (such as structural, functional, and spatial information, amino acid conservation, physicochemical variation, residue mobility, and thermodynamic stability) indicates that this missense variant is not expected to disrupt ACADM protein function with a negative predictive value of 80%. In summary, the available evidence is currently insufficient to determine the role of this variant in disease. Therefore, it has been classified as a Variant of Uncertain Significance.